The following is an entry in ClinVar:

NM_016373.4(WWOX):c.160C>T (p.Arg54Ter)

Gene: WWOX (WW domain containing oxidoreductase; plus strand). Cytogenetic location: 16q23.1.
Variant type: single nucleotide variant.
Coding change: c.160C>T on transcript NM_016373.4 (MANE Select); coding-DNA position 160, C replaced by T.
Protein change: p.Arg54Ter; replaces arginine 54 with a stop codon.
Molecular consequence: nonsense. On other transcripts: non-coding transcript variant (1), intron variant (1).
Genome position (GRCh38, 1-based): chr16:78,108,475, C>T. VCF-style: chr16-78108475-C-T. GRCh37 (hg19) VCF-style: chr16-78142372-C-T.
Other names: c.160C>T, p.Arg54Ter (NM_130791.5); c.-167-1303C>T (NM_001291997.2); short protein forms R54*.
Identifiers: ClinVar variation 120325 (VCV000120325.15), dbSNP rs587777248, ClinGen allele CA150822.

ClinVar aggregate classification (germline): Pathogenic. Review status: criteria provided, multiple submitters, no conflicts (2 of 4 stars). 6 submissions from 6 submitters: Pathogenic (5). 1 of the submissions does not count toward it. Last evaluated 2025-08-25.

Conditions:
Autosomal recessive spinocerebellar ataxia 12. Also called: SPINOCEREBELLAR ATAXIA WITH MENTAL RETARDATION AND EPILEPSY. Identifiers: Orphanet 284282, MedGen C3280452, MONDO:0013687, OMIM 614322.
Developmental and epileptic encephalopathy, 1 (DEE1). Also called: Epileptic encephalopathy, early infantile, 1; X-linked infantile spasms; West's syndrome; Tonic spasms with clustering, arrest of psychomotor development and hypsarrhythmia on EEG; X-Linked Infantile Spasm Syndrome; INFANTILE SPASM SYNDROME, X-LINKED 1. Identifiers: MedGen C3463992, MONDO:0010632, OMIM 308350. Disease mechanism: loss of function.
WWOX-related diosrder.
Developmental and epileptic encephalopathy, 28 (DEE28). Also called: Epileptic encephalopathy, early infantile, 28. Identifiers: Orphanet 442835, MedGen C4015519, MONDO:0014533, OMIM 616211.

Allele frequency attached by ClinVar (database versions not stated): gnomAD 0.00003; TOPMed 0.00005.
gnomAD v4.1: 11 of 1,612,980 alleles (0.00068%); highest among the groups gnomAD compares: East Asian, 0.0067%; no homozygotes.

Submissions (6):

Daryl Scott Lab, Baylor College of Medicine
Classification: Pathogenic for WWOX-related diosrder. Last evaluated: 2025-08-25. Review status: criteria provided, single submitter. Criteria: ACMG Guidelines, 2015. Collection method: clinical testing. Allele origin: biparental. Affected: yes.
Comment: PVS1, PM2

Bioscientia Institut fuer Medizinische Diagnostik GmbH, Sonic Healthcare
Classification: Pathogenic for Developmental and epileptic encephalopathy, 28. Last evaluated: 2025-02-07. Review status: criteria provided, single submitter. Criteria: ACMG Guidelines, 2015. Collection method: clinical testing. Allele origin: germline. Affected: yes.

Labcorp Genetics (formerly Invitae), Labcorp
Classification: Pathogenic for Developmental and epileptic encephalopathy, 1; Autosomal recessive spinocerebellar ataxia 12. Last evaluated: 2024-06-25. Review status: criteria provided, single submitter. Criteria: Invitae Variant Classification Sherloc (09022015). Collection method: clinical testing. Allele origin: germline.
Comment: This sequence change creates a premature translational stop signal (p.Arg54*) in the WWOX gene. It is expected to result in an absent or disrupted protein product. Loss-of-function variants in WWOX are known to be pathogenic (PMID: 24456803, 25411445). This variant is present in population databases (rs587777248, gnomAD 0.01%). This premature translational stop signal has been observed in individual(s) with WWOX-related conditions (PMID: 24456803). It has also been observed to segregate with disease in related individuals. ClinVar contains an entry for this variant (Variation ID: 120325). For these reasons, this variant has been classified as Pathogenic.

Genomic Medicine Center of Excellence, King Faisal Specialist Hospital and Research Centre
Classification: Pathogenic for Developmental and epileptic encephalopathy, 28. Last evaluated: 2024-04-04. Review status: criteria provided, single submitter. Criteria: ACMG Guidelines, 2015. Collection method: clinical testing. Allele origin: germline.

Pathology and Clinical Laboratory Medicine, King Fahad Medical City
Classification: Pathogenic for Developmental and epileptic encephalopathy, 28. Review status: criteria provided, single submitter. Criteria: ACMG Guidelines, 2015. Collection method: clinical testing. Allele origin: germline. Affected: yes. Observed: 1 variant allele.

OMIM
Classification: Pathogenic for DEVELOPMENTAL AND EPILEPTIC ENCEPHALOPATHY 28. Last evaluated: 2014-01-23. Review status: no assertion criteria provided. Collection method: literature only. Allele origin: germline. Not counted in ClinVar's aggregate classification.

Literature cited by the submitters: PubMed 24456803 (cited by Labcorp Genetics (formerly Invitae), Labcorp and OMIM); PubMed 25411445 (cited by Labcorp Genetics (formerly Invitae), Labcorp).